The following is an entry in ClinVar:

NM_002495.4(NDUFS4):c.179dup (p.Asp60fs)

Gene: NDUFS4 (NADH:ubiquinone oxidoreductase subunit S4; plus strand). Cytogenetic location: 5q11.2.
Variant type: Duplication.
Coding change: c.179dup on transcript NM_002495.4 (MANE Select); coding-DNA position 179, one base duplicated (A; older notation c.179dupA).
Protein change: p.Asp60fs; shifts the reading frame from aspartic acid 60.
Molecular consequence: frameshift variant. On other transcripts: non-coding transcript variant (3).
Genome position (GRCh38, 1-based): chr5:53,646,234, A duplicated. VCF-style (leftmost placement, unchanged base first): chr5-53646233-G-GA. GRCh37 (hg19) VCF-style: chr5-52942063-G-GA.
Other names: c.179dup, p.Asp60fs (NM_001318051.2); short protein forms D60fs.
Identifiers: ClinVar variation 2758562 (VCV002758562.3), dbSNP rs2478786719, ClinGen allele CA2697547179.

ClinVar aggregate classification (germline): Pathogenic (1 of 4 stars; one submission).

Submission:

Labcorp Genetics (formerly Invitae), Labcorp
Classification: Pathogenic. Last evaluated: 2023-09-06. Review status: criteria provided, single submitter. Criteria: Invitae Variant Classification Sherloc (09022015). Collection method: clinical testing. Allele origin: germline.
Comment: This sequence change creates a premature translational stop signal (p.Asp60Glufs*16) in the NDUFS4 gene. It is expected to result in an absent or disrupted protein product. Loss-of-function variants in NDUFS4 are known to be pathogenic (PMID: 10944442, 16213125). This variant is not present in population databases (gnomAD no frequency). This variant has not been reported in the literature in individuals affected with NDUFS4-related conditions. For these reasons, this variant has been classified as Pathogenic.

Literature cited by the submitters: PubMed 10944442; PubMed 16213125.